The following is an entry in ClinVar:

ClinVar aggregate classification (germline): Uncertain significance. Review status: criteria provided, multiple submitters, no conflicts (2 of 4 stars). 3 submissions from 3 submitters: Uncertain significance (3). Last evaluated 2025-03-04.

Conditions:
Colorectal cancer. Also called: Colorectal cancer, somatic; Malignant Colorectal Neoplasm. Identifiers: MedGen C0346629, MONDO:0005575, OMIM 114500.
Hereditary cancer-predisposing syndrome. Also called: Tumor predisposition; Hereditary neoplastic syndrome; Neoplastic Syndromes, Hereditary; Hereditary Cancer Syndrome. Identifiers: Orphanet 140162, MedGen C0027672, MeSH D009386, MONDO:0015356.
Oligodontia-cancer predisposition syndrome. Also called: TOOTH AGENESIS-COLORECTAL CANCER SYNDROME. Identifiers: Orphanet 300576, MedGen C1837750, MONDO:0012075, OMIM 608615. Disease mechanism: loss of function.

Allele frequency attached by ClinVar (database versions not stated): gnomAD exomes 0.00001.

Submissions (3):

Ambry Genetics
Classification: Uncertain significance for Hereditary cancer-predisposing syndrome. Last evaluated: 2025-03-04. Review status: criteria provided, single submitter. Criteria: Ambry Variant Classification Scheme 2023. Collection method: clinical testing. Allele origin: germline.
Comment: The p.E32K variant (also known as c.94G>A), located in coding exon 1 of the AXIN2 gene, results from a G to A substitution at nucleotide position 94. The glutamic acid at codon 32 is replaced by lysine, an amino acid with similar properties. This amino acid position is well conserved in available vertebrate species. In addition, the in silico prediction for this alteration is inconclusive. Based on the available evidence, the clinical significance of this variant remains unclear.

Baylor Genetics
Classification: Uncertain significance for Colorectal cancer. Last evaluated: 2023-08-06. Review status: criteria provided, single submitter. Criteria: ACMG Guidelines, 2015. Collection method: clinical testing. Allele origin: unknown.

Labcorp Genetics (formerly Invitae), Labcorp
Classification: Uncertain significance for Oligodontia-cancer predisposition syndrome. Last evaluated: 2021-05-25. Review status: criteria provided, single submitter. Criteria: Invitae Variant Classification Sherloc (09022015). Collection method: clinical testing. Allele origin: germline.
Comment: Algorithms developed to predict the effect of missense changes on protein structure and function (SIFT, PolyPhen-2, Align-GVGD) all suggest that this variant is likely to be tolerated, but these predictions have not been confirmed by published functional studies and their clinical significance is uncertain. This variant has not been reported in the literature in individuals with AXIN2-related conditions. This variant is not present in population databases (ExAC no frequency). This sequence change replaces glutamic acid with lysine at codon 32 of the AXIN2 protein (p.Glu32Lys). The glutamic acid residue is moderately conserved and there is a small physicochemical difference between glutamic acid and lysine. In summary, the available evidence is currently insufficient to determine the role of this variant in disease. Therefore, it has been classified as a Variant of Uncertain Significance.

NM_004655.4(AXIN2):c.94G>A (p.Glu32Lys)

Gene: AXIN2 (axin 2; minus strand). Cytogenetic location: 17q24.1.
Variant type: single nucleotide variant.
Coding change: c.94G>A on transcript NM_004655.4 (MANE Select); coding-DNA position 94, G replaced by A.
Protein change: p.Glu32Lys; replaces glutamic acid 32 with lysine.
Molecular consequence: missense variant.
Genome position (GRCh38, 1-based): chr17:65,558,527, C>T on the plus strand (G>A on the coding strand, the complement: AXIN2 is on the minus strand). VCF-style: chr17-65558527-C-T. GRCh37 (hg19) VCF-style: chr17-63554645-C-T.
Other names: c.94G>A, p.Glu32Lys (NM_001363813.1); c.94G>A (NM_004655.3); short protein forms E32K.
Identifiers: ClinVar variation 1357389 (VCV001357389.8), dbSNP rs1173490917, ClinGen allele CA400682213.